The following is an entry in ClinVar:

NM_002691.4(POLD1):c.2575G>A (p.Gly859Ser)

Gene: POLD1 (DNA polymerase delta 1, catalytic subunit; plus strand). Cytogenetic location: 19q13.33.
Variant type: single nucleotide variant.
Coding change: c.2575G>A on transcript NM_002691.4 (MANE Select); coding-DNA position 2575, G replaced by A.
Protein change: p.Gly859Ser; replaces glycine 859 with serine.
Molecular consequence: missense variant. On other transcripts: non-coding transcript variant (1).
Genome position (GRCh38, 1-based): chr19:50,415,448, G>A. VCF-style: chr19-50415448-G-A. GRCh37 (hg19) VCF-style: chr19-50918705-G-A.
Other names: c.2575G>A (NM_002691.2); c.2653G>A, p.Gly885Ser (NM_001308632.1); c.2575G>A, p.Gly859Ser (NM_001256849.1); short protein forms G859S, G885S.
Identifiers: ClinVar variation 1719478 (VCV001719478.6), dbSNP rs2514053227, ClinGen allele CA406985298.
Genomic context (GRCh38, chr19:50,415,448, plus strand): 5'-CCTGGCCCTCAGTGCCTTTTGGTGACGCTGTGCGGCCCGCTCTCCTACAGAGACCCTGAG[G>A]GCGCGGTGGCTCACGCACAGGACGTCATCTCGGACCTGCTGTGCAACCGCATCGATATCT-3'
Protein context (NP_002682.2, residues 849-869): RRLLIDRDPE[Gly859Ser]AVAHAQDVIS

ClinVar aggregate classification (germline): Uncertain significance. Review status: criteria provided, multiple submitters, no conflicts (2 of 4 stars). 2 submissions from 2 submitters: Uncertain significance (2). Last evaluated 2024-10-11.

Conditions:
Hereditary cancer-predisposing syndrome. Also called: Neoplastic Syndromes, Hereditary; Tumor predisposition; Hereditary neoplastic syndrome; Hereditary Cancer Syndrome. Identifiers: Orphanet 140162, MedGen C0027672, MeSH D009386, MONDO:0015356.
POLD1-related polyposis and colorectal cancer syndrome (CRCS10). Also called: COLORECTAL CANCER, SUSCEPTIBILITY TO, ON CHROMOSOME 19q; Colorectal cancer 10; Colorectal cancer, susceptibility to, 10. Identifiers: Orphanet 220460, MedGen C2675481, MONDO:0012953, OMIM 612591.

Submissions (2):

Ambry Genetics
Classification: Uncertain significance for Hereditary cancer-predisposing syndrome. Last evaluated: 2024-10-11. Review status: criteria provided, single submitter. Criteria: Ambry Variant Classification Scheme 2023. Collection method: clinical testing. Allele origin: germline.
Comment: The p.G859S variant (also known as c.2575G>A), located in coding exon 20 of the POLD1 gene, results from a G to A substitution at nucleotide position 2575. The glycine at codon 859 is replaced by serine, an amino acid with similar properties. This amino acid position is conserved. In addition, this alteration is predicted to be tolerated by in silico analysis. Based on the available evidence, the clinical significance of this variant remains unclear.

Labcorp Genetics (formerly Invitae), Labcorp
Classification: Uncertain significance for POLD1-related polyposis and colorectal cancer syndrome. Last evaluated: 2022-09-15. Review status: criteria provided, single submitter. Criteria: Invitae Variant Classification Sherloc (09022015). Collection method: clinical testing. Allele origin: germline.
Comment: This variant has not been reported in the literature in individuals affected with POLD1-related conditions. This variant is not present in population databases (gnomAD no frequency). This sequence change replaces glycine, which is neutral and non-polar, with serine, which is neutral and polar, at codon 859 of the POLD1 protein (p.Gly859Ser). In summary, the available evidence is currently insufficient to determine the role of this variant in disease. Therefore, it has been classified as a Variant of Uncertain Significance. Advanced modeling of protein sequence and biophysical properties (such as structural, functional, and spatial information, amino acid conservation, physicochemical variation, residue mobility, and thermodynamic stability) performed at Invitae indicates that this missense variant is not expected to disrupt POLD1 protein function.